The following is an entry in ClinVar:

NM_032436.4(CHAMP1):c.1858A>T (p.Lys620Ter)

Gene: CHAMP1 (chromosome alignment maintaining phosphoprotein 1; plus strand). Cytogenetic location: 13q34.
Variant type: single nucleotide variant.
Coding change: c.1858A>T on transcript NM_032436.4 (MANE Select); coding-DNA position 1858, A replaced by T.
Protein change: p.Lys620Ter; replaces lysine 620 with a stop codon.
Molecular consequence: nonsense.
Genome position (GRCh38, 1-based): chr13:114,325,700, A>T. VCF-style: chr13-114325700-A-T. GRCh37 (hg19) VCF-style: chr13-115091175-A-T.
Other names: c.1858A>T, p.Lys620Ter (NM_001164144.3, NM_001164145.3); short protein forms K620*.
Identifiers: ClinVar variation 981896 (VCV000981896.4), dbSNP rs2087240702, ClinGen allele CA388849837.
Genomic context (GRCh38, chr13:114,325,700, plus strand): 5'-CTTCTAGCTTCACCTAAGAAACTCTTAGAAGATACTTTATTTCCTTCCTCAAAGAAGCTC[A>T]AGAAAGACAACCAAGAGAGCTCAGACGCTGAGCTTAGTAGTAGTGAGTACATAAAAACAG-3'

ClinVar aggregate classification (germline): Pathogenic. Review status: criteria provided, multiple submitters, no conflicts (2 of 4 stars). 2 submissions from 2 submitters: Pathogenic (2). Last evaluated 2022-12-20.

Conditions:
Neurodevelopmental disorder with hypotonia, impaired language, and dysmorphic features. Also called: Intellectual disability, autosomal dominant 40. Identifiers: Orphanet 692193, MedGen C5676894, MONDO:0014699, OMIM 616579.
Intellectual disability. Also called: Intellectual functioning disability; Intellectual developmental disorder; intellectual disabilities. Identifiers: MedGen C3714756, MeSH D008607, MONDO:0001071, HP:0001249.

Submissions (2):

Genomic Medicine, Universita Cattolica del Sacro Cuore
Classification: Pathogenic for Neurodevelopmental disorder with hypotonia, impaired language, and dysmorphic features. Last evaluated: 2022-12-20. Review status: criteria provided, single submitter. Criteria: ACMG Guidelines, 2015. Collection method: clinical testing. Allele origin: de novo. Inheritance: Autosomal dominant inheritance. Affected: yes. Observed: 1 heterozygote.
Comment: Heterozygous truncating variants in the CHAMP1 gene have already been described as responsible for NEDHILD (OMIM #616579). The variant is de novo and it is not reported in the gnomAD database. cDNA analysis showed that both the mutated and the wild type allele are equally expressed in peripheral blood from the affected patient (without using nonsense-mediated decay inhibitors)

Center for Statistical Genetics, Columbia University
Classification: Pathogenic for Intellectual disability. Last evaluated: 2020-10-16. Review status: criteria provided, single submitter. Criteria: ACMG Guidelines, 2015. Collection method: research. Allele origin: de novo. Affected: yes.